The following is an entry in ClinVar:

ClinVar aggregate classification (germline): Uncertain significance (1 of 4 stars; one submission).

Conditions:
Bloom syndrome (BLM). Also called: Bloom-Torre-Machacek syndrome. Identifiers: Orphanet 125, MedGen C0005859, MONDO:0008876, OMIM 210900.

Submission:

Labcorp Genetics (formerly Invitae), Labcorp
Classification: Uncertain significance for Bloom syndrome. Last evaluated: 2023-10-08. Review status: criteria provided, single submitter. Criteria: Invitae Variant Classification Sherloc (09022015). Collection method: clinical testing. Allele origin: germline.
Comment: This sequence change replaces alanine, which is neutral and non-polar, with aspartic acid, which is acidic and polar, at codon 93 of the BLM protein (p.Ala93Asp). This variant is not present in population databases (gnomAD no frequency). This variant has not been reported in the literature in individuals affected with BLM-related conditions. ClinVar contains an entry for this variant (Variation ID: 1449643). An algorithm developed to predict the effect of missense changes on protein structure and function (PolyPhen-2) suggests that this variant is likely to be tolerated. In summary, the available evidence is currently insufficient to determine the role of this variant in disease. Therefore, it has been classified as a Variant of Uncertain Significance.

NM_000057.4(BLM):c.278C>A (p.Ala93Asp)

Gene: BLM (BLM RecQ like helicase; plus strand). Cytogenetic location: 15q26.1.
Variant type: single nucleotide variant.
Coding change: c.278C>A on transcript NM_000057.4 (MANE Select); coding-DNA position 278, C replaced by A.
Protein change: p.Ala93Asp; replaces alanine 93 with aspartic acid.
Molecular consequence: missense variant. On other transcripts: 5 prime UTR variant (1).
Genome position (GRCh38, 1-based): chr15:90,749,546, C>A. VCF-style: chr15-90749546-C-A. GRCh37 (hg19) VCF-style: chr15-91292776-C-A.
Other names: c.278C>A, p.Ala93Asp (NM_001287246.2, NM_001287247.2); c.-1014C>A (NM_001287248.2); short protein forms A93D.
Identifiers: ClinVar variation 1449643 (VCV001449643.6), dbSNP rs2151147003, ClinGen allele CA393840114.
Genomic context (GRCh38, chr15:90,749,546, plus strand): 5'-TCAGTGAACCTCTACCCAACACCACAAATCAGCAAAGGGTCAAGGACTTCTTTAAAAATG[C>A]TCCAGCAGGACAGGAAACACAGAGAGGTGGATCAAAATCATTATTGCCAGATTTCTTGCA-3'
Protein context (NP_000048.1, residues 83-103): QQRVKDFFKN[Ala93Asp]PAGQETQRGG